The following is an entry in ClinVar:

NM_001004334.4(GPR179):c.506C>G (p.Thr169Ser)

Gene: GPR179 (G protein-coupled receptor 179; minus strand). Cytogenetic location: 17q12.
Variant type: single nucleotide variant.
Coding change: c.506C>G on transcript NM_001004334.4 (MANE Select); coding-DNA position 506, C replaced by G.
Protein change: p.Thr169Ser; replaces threonine 169 with serine.
Molecular consequence: missense variant.
Genome position (GRCh38, 1-based): chr17:38,343,284, G>C on the plus strand (C>G on the coding strand, the complement: GPR179 is on the minus strand). VCF-style: chr17-38343284-G-C. GRCh37 (hg19) VCF-style: chr17-36499167-G-C.
Other names: short protein forms T169S.
Identifiers: ClinVar variation 2988551 (VCV002988551.4), dbSNP rs2512175919, ClinGen allele CA398889087.

ClinVar aggregate classification (germline): Uncertain significance. Review status: criteria provided, multiple submitters, no conflicts (2 of 4 stars). 2 submissions from 2 submitters: Uncertain significance (2). Last evaluated 2023-10-17.

Submissions (2):

Blueprint Genetics
Classification: Uncertain significance. Last evaluated: 2023-10-17. Review status: criteria provided, single submitter. Criteria: ACMG Guidelines, 2015. Collection method: clinical testing. Allele origin: germline.

Labcorp Genetics (formerly Invitae), Labcorp
Classification: Uncertain significance. Last evaluated: 2023-05-19. Review status: criteria provided, single submitter. Criteria: Invitae Variant Classification Sherloc (09022015). Collection method: clinical testing. Allele origin: germline.
Comment: This sequence change replaces threonine, which is neutral and polar, with serine, which is neutral and polar, at codon 169 of the GPR179 protein (p.Thr169Ser). In summary, the available evidence is currently insufficient to determine the role of this variant in disease. Therefore, it has been classified as a Variant of Uncertain Significance. An algorithm developed to predict the effect of missense changes on protein structure and function (PolyPhen-2) suggests that this variant is likely to be tolerated. This variant has not been reported in the literature in individuals affected with GPR179-related conditions. This variant is not present in population databases (gnomAD no frequency).